The following is an entry in ClinVar:

NM_198253.3(TERT):c.2764A>T (p.Met922Leu)

Gene: TERT (telomerase reverse transcriptase; minus strand). Cytogenetic location: 5p15.33.
Variant type: single nucleotide variant.
Coding change: c.2764A>T on transcript NM_198253.3 (MANE Select); coding-DNA position 2764, A replaced by T.
Protein change: p.Met922Leu; replaces methionine 922 with leucine.
Molecular consequence: missense variant. On other transcripts: intron variant (1).
Genome position (GRCh38, 1-based): chr5:1,264,483, T>A on the plus strand (A>T on the coding strand, the complement: TERT is on the minus strand). VCF-style: chr5-1264483-T-A. GRCh37 (hg19) VCF-style: chr5-1264598-T-A.
Other names: c.2654+1981A>T (NM_001193376.3); short protein forms M922L.
Identifiers: ClinVar variation 1004721 (VCV001004721.10), dbSNP rs554229004, ClinGen allele CA3184402.

ClinVar aggregate classification (germline): Conflicting classifications of pathogenicity. Review status: criteria provided, conflicting classifications (1 of 4 stars). 3 submissions from 3 submitters: Uncertain significance (1); Likely benign (2). Last evaluated 2025-06-22.

Conditions:
Dyskeratosis congenita, autosomal dominant 2. Identifiers: MedGen C3151443, MONDO:0013521, OMIM 613989.
Idiopathic Pulmonary Fibrosis. Also called: Idiopathic fibrosing alveolitis, chronic form; idiopathic fibrosing alveolitis. Identifiers: Orphanet 2032, MedGen C1800706, MeSH D054990, MONDO:0800504.
Dyskeratosis congenita. Identifiers: Orphanet 1775, MedGen C0265965, MONDO:0015780.

Allele frequency attached by ClinVar (database versions not stated): gnomAD exomes below 0.00001 and 0.00001; ExAC 0.00002; TOPMed 0.00002; gnomAD 0.00004; 1000 Genomes Project 30x 0.00016; 1000 Genomes Project 0.00020.
gnomAD v4.1: 10 of 1,613,928 alleles (0.00062%); highest among the groups gnomAD compares: East Asian, 0.018%; no homozygotes.

Submissions (3):

Labcorp Genetics (formerly Invitae), Labcorp
Classification: Likely benign for Dyskeratosis congenita, autosomal dominant 2; Idiopathic Pulmonary Fibrosis. Last evaluated: 2025-06-22. Review status: criteria provided, single submitter. Criteria: Invitae Variant Classification Sherloc (09022015). Collection method: clinical testing. Allele origin: germline.

GeneDx
Classification: Uncertain significance. Last evaluated: 2023-07-07. Review status: criteria provided, single submitter. Criteria: GeneDx Variant Classification Process June 2021. Collection method: clinical testing. Allele origin: germline. Affected: yes.
Comment: In silico analysis supports that this missense variant does not alter protein structure/function; Has not been previously published as pathogenic or benign to our knowledge

Ambry Genetics
Classification: Likely benign for Dyskeratosis congenita. Last evaluated: 2022-06-30. Review status: criteria provided, single submitter. Criteria: Ambry Variant Classification Scheme 2023. Collection method: clinical testing. Allele origin: germline.